The following is an entry in ClinVar:

NM_001035.3(RYR2):c.208G>A (p.Glu70Lys)

Gene: RYR2 (ryanodine receptor 2; plus strand). Cytogenetic location: 1q43.
Variant type: single nucleotide variant.
Coding change: c.208G>A on transcript NM_001035.3 (MANE Select); coding-DNA position 208, G replaced by A.
Protein change: p.Glu70Lys; replaces glutamic acid 70 with lysine.
Molecular consequence: missense variant.
Genome position (GRCh38, 1-based): chr1:237,330,917, G>A. VCF-style: chr1-237330917-G-A. GRCh37 (hg19) VCF-style: chr1-237494217-G-A.
Other names: short protein forms E70K.
Identifiers: ClinVar variation 2774234 (VCV002774234.2), dbSNP rs2529154300, ClinGen allele CA345654616.

ClinVar aggregate classification (germline): Uncertain significance (1 of 4 stars; one submission).

Conditions:
Cardiomyopathy (CMYO). Also called: Cardiomyopathies. Identifiers: Orphanet 167848, MedGen C0878544, MONDO:0004994, HP:0001638. Inheritance: Various modes of inheritance.

Allele frequency attached by ClinVar (database versions not stated): gnomAD exomes below 0.00001.
gnomAD v4.1: 3 of 1,613,938 alleles (0.00019%); highest among the groups gnomAD compares: Non-Finnish European, 0.00025%; no homozygotes.

Submission:

Color Diagnostics, LLC DBA Color Health
Classification: Uncertain significance for Cardiomyopathy. Last evaluated: 2024-03-07. Review status: criteria provided, single submitter. Criteria: ACMG Guidelines, 2015. Collection method: clinical testing. Allele origin: germline.
Comment: This missense variant replaces glutamic acid with lysine at codon 70 of the RYR2 protein. Computational prediction suggests that this variant may have deleterious impact on protein structure and function (internally defined REVEL score threshold >= 0.7, PMID: 27666373). To our knowledge, functional studies have not been reported for this variant. This variant has not been reported in individuals affected with cardiovascular disorders in the literature. This variant has not been identified in the general population by the Genome Aggregation Database (gnomAD). The available evidence is insufficient to determine the role of this variant in disease conclusively. Therefore, this variant is classified as a Variant of Uncertain Significance.